The following is an entry in ClinVar:

ClinVar aggregate classification (germline): Pathogenic/Likely pathogenic. Review status: criteria provided, multiple submitters, no conflicts (2 of 4 stars). 8 submissions from 8 submitters: Pathogenic (3); Likely pathogenic (4). 1 of the submissions does not count toward it. Last evaluated 2026-09-08.

Conditions:
DHCR7-related disorder. Also called: DHCR7-related condition.
Smith-Lemli-Opitz syndrome (SLOS). Also called: 7-Dehydrocholesterol reductase deficiency; LETHAL ACRODYSGENITAL SYNDROME; POLYDACTYLY, SEX REVERSAL, RENAL HYPOPLASIA, AND UNILOBAR LUNG; RSH SYNDROME; RUTLEDGE LETHAL MULTIPLE CONGENITAL ANOMALY SYNDROME. Identifiers: Orphanet 818, MedGen C0175694, MONDO:0010035, OMIM 270400.

Submissions (8):

PreventionGenetics, part of Exact Sciences
Classification: Likely pathogenic for DHCR7-related condition. Last evaluated: 2026-09-08. Review status: criteria provided, single submitter. Criteria: ACMG Guidelines, 2015. Collection method: clinical testing. Allele origin: germline.
Comment: The DHCR7 c.1066delC variant is predicted to result in a frameshift and premature protein termination (p.His356Thrfs*57). To our knowledge, this variant has not been reported in the literature in individuals with Smith-Lemli-Opitz syndrome (SLOS). This variant is reported in 0.0039% of alleles in individuals of European (non-Finnish) descent in gnomAD. This variant is not expected to lead to nonsense-mediated mRNA decay (NMD) but it is predicted to remove 120 C-terminal amino acids of the DHCR7 protein. Multiple loss-of-function and missense variants downstream of this position have been reported in association with SLOS, indicating this region is critical for protein function (Witsch-Baumgartner et al. 2000. PubMed ID: 10677299; Jong Hee Chae et al. 2007. PubMed ID: 18006960; Cross et al. 2015. PubMed ID: 24813812; Yan et al. 2019. PubMed ID: 31088393). Taken together, the c.1066delC (p.His356Thrfs*57) variant is interpreted as likely pathogenic.

GeneDx
Classification: Likely pathogenic. Last evaluated: 2026-01-21. Review status: criteria provided, single submitter. Criteria: GeneDx Variant Classification Process June 2021. Collection method: clinical testing. Allele origin: germline.
Comment: Frameshift variant predicted to result in abnormal protein length as the last 120 amino acid(s) are replaced with 56 different amino acid(s), and other similar variants have been reported in HGMD; Not observed at significant frequency in large population cohorts (gnomAD); Has not been previously published as pathogenic or benign to our knowledge; This variant is associated with the following publications: (PMID: 27401223, 18006960, 27535533, 24077912)

Natera, Inc.
Classification: Likely pathogenic for Smith-Lemli-Opitz syndrome. Last evaluated: 2025-12-01. Review status: criteria provided, single submitter. Criteria: Natera Variant Classification Schema (03/2026). Collection method: clinical testing. Allele origin: germline.
Comment: The c.1066delC variant in DHCR7 is a frameshift variant predicted to shift the reading frame beginning at codon 356 and leads to a stop codon 57 codons downstream. This variant is expected to result in nonsense mediated decay, truncation, or a dysfunctional protein product. This variant is rare in the general population with a frequency below the threshold expected for the associated phenotype(s). Given the available evidence, this variant is classified as Likely Pathogenic.

Women's Health and Genetics/Laboratory Corporation of America, LabCorp
Classification: Pathogenic for Smith-Lemli-Opitz syndrome. Last evaluated: 2025-04-02. Review status: criteria provided, single submitter. Criteria: LabCorp Variant Classification Summary - May 2015. Collection method: clinical testing. Allele origin: germline.
Comment: Variant summary: DHCR7 c.1066delC (p.His356ThrfsX57) results in a premature termination codon, predicted to cause a truncation of the encoded protein. Although, nonsense mediated decay is not predicted, several pathogenic variants are observed downstream. The variant allele was found at a frequency of 1.6e-05 in 249058 control chromosomes. To our knowledge, no occurrence of c.1066delC in individuals affected with Smith-Lemli-Opitz Syndrome and no experimental evidence demonstrating its impact on protein function have been reported. ClinVar contains an entry for this variant (Variation ID: 370598). Based on the evidence outlined above, the variant was classified as pathogenic.

Fulgent Genetics
Classification: Likely pathogenic for Smith-Lemli-Opitz syndrome. Last evaluated: 2024-06-04. Review status: criteria provided, single submitter. Criteria: ACMG Guidelines, 2015. Collection method: clinical testing. Allele origin: germline.

Labcorp Genetics (formerly Invitae), Labcorp
Classification: Pathogenic for Smith-Lemli-Opitz syndrome. Last evaluated: 2024-01-05. Review status: criteria provided, single submitter. Criteria: Invitae Variant Classification Sherloc (09022015). Collection method: clinical testing. Allele origin: germline.
Comment: This sequence change creates a premature translational stop signal (p.His356Thrfs*57) in the DHCR7 gene. While this is not anticipated to result in nonsense mediated decay, it is expected to disrupt the last 120 amino acid(s) of the DHCR7 protein. This variant is present in population databases (rs774291653, gnomAD 0.004%). This variant has not been reported in the literature in individuals affected with DHCR7-related conditions. ClinVar contains an entry for this variant (Variation ID: 370598). This variant disrupts a region of the DHCR7 protein in which other variant(s) (p.Lys376Argfs*37) have been determined to be pathogenic (PMID: 18006960). This suggests that this is a clinically significant region of the protein, and that variants that disrupt it are likely to be disease-causing. For these reasons, this variant has been classified as Pathogenic.

ARUP Laboratories, Molecular Genetics and Genomics, ARUP Laboratories
Classification: Pathogenic for Smith-Lemli-Opitz syndrome. Last evaluated: 2020-02-03. Review status: criteria provided, single submitter. Criteria: ARUP Molecular Germline Variant Investigation Process. Collection method: clinical testing. Allele origin: germline.
Comment: The DHCR7 c.1066delC; p.His356fs variant (rs774291653), to our knowledge, is not reported in the medical literature or gene specific databases in association with Smith-Lemli-Opitz syndrome. This variant is reported in ClinVar (Variation ID: 370598), and is only observed on five alleles in the Genome Aggregation Database, indicating it is not a common polymorphism. This variant results in a premature termination codon in the last exon of the DHCR7 gene. While this may not lead to nonsense-mediated decay, it is expected to create a truncated protein that would include a sequence of 57 amino acid residues not usually present. Additionally, several downstream truncating variants have been described in individuals with Smith-Lemli-Opitz syndrome and are considered pathogenic (Cross 2015, Jong Hee Chae 2007, Yan 2019). Based on available information, the p.His356fs variant is considered to be pathogenic. References: Cross JL et al. Determination of the allelic frequency in Smith-Lemli-Opitz syndrome by analysis of massively parallel sequencing data sets. Clin Genet. 2015 Jun;87(6):570-5. Jong Hee Chae et al. Identification of a novel DHCR7 mutation in a Korean patient with Smith-Lemli-Opitz syndrome. J Child Neurol. 2007 Nov;22(11):1297-300. Yan H et al. Targeted next generation sequencing in 112 Chinese patients with intellectual disability/developmental delay: novel mutations and candidate gene. BMC Med Genet. 2019 May 14;20(1):80.

Counsyl
Classification: Likely pathogenic for Smith-Lemli-Opitz syndrome. Last evaluated: 2016-03-09. Review status: no assertion criteria provided. Collection method: clinical testing. Allele origin: unknown. Not counted in ClinVar's aggregate classification.

Literature cited by the submitters: PubMed 18006960 (cited by Labcorp Genetics (formerly Invitae), Labcorp).

NM_001360.3(DHCR7):c.1066del (p.His356fs)

Gene: DHCR7 (7-dehydrocholesterol reductase; minus strand). Cytogenetic location: 11q13.4.
Variant type: Deletion.
Coding change: c.1066del on transcript NM_001360.3 (MANE Select); coding-DNA position 1066, one base deleted (C; older notation c.1066delC).
Protein change: p.His356fs; shifts the reading frame from histidine 356.
Molecular consequence: frameshift variant.
Genome position (GRCh38, 1-based): chr11:71,435,737, G deleted on the plus strand (C on the coding strand, the reverse complement: DHCR7 is on the minus strand); the first of 2 consecutive G bases (chr11:71,435,737-71,435,738); deleting either gives the same sequence. VCF-style (leftmost placement, unchanged base first): chr11-71435736-TG-T. GRCh37 (hg19) VCF-style: chr11-71146782-TG-T.
Other names: c.1066del (NM_001360.2); c.1066delC (NM_001360.3, NM_001360.2); c.1066del, p.His356fs (NM_001163817.2); short protein forms H356fs.
Identifiers: ClinVar variation 370598 (VCV000370598.27), dbSNP rs774291653, ClinGen allele CA6162323.
Genomic context (GRCh38, chr11:71,435,736, plus strand): 5'-TTGGGCTTCCTGCCCCAGATGAGGCAGCGCCCATCCGTGCGGCGGAACAGGTCCTTCTGG[TG>T]GTTGGCCACCCGGAAGATGTAGTAGCCCACCAGGCCCAGCAGCAGGACGCCCACGGCGTG-3'